The following is an entry in ClinVar:

NM_001164508.2(NEB):c.25150+12G>A

Genes: RIF1 (replication timing regulatory factor 1; plus strand), NEB (nebulin; minus strand). Cytogenetic location: 2q23.3.
Variant type: single nucleotide variant.
Coding change: c.25150+12G>A on transcript NM_001164508.2 (MANE Select); 12 bases into the intron after coding-DNA position 25150, G replaced by A.
Molecular consequence: intron variant.
Genome position (GRCh38, 1-based): chr2:151,491,671, C>T on the plus strand (G>A on the coding strand, the complement: NEB is on the minus strand). VCF-style: chr2-151491671-C-T. GRCh37 (hg19) VCF-style: chr2-152348185-C-T.
Other names: c.19582+12G>A (NM_004543.5); c.25150+12G>A (NM_001164507.2); c.25255+12G>A (NM_001271208.2).
Identifiers: ClinVar variation 226845 (VCV000226845.20), dbSNP rs4414676, ClinGen allele CA1905804.
Genomic context (GRCh38, chr2:151,491,671, plus strand): 5'-CAAATGAAAGTCATTGACTCTAGCATACTAAATGGTGATGTTTATGTTGTAAGCCTTTTT[C>T]AGCTAACACACCATTAATCATGTGTAAGCTTCGGGACTGGATGTTGTCTTCTGCTGGATC-3'

ClinVar aggregate classification (germline): Benign. Review status: criteria provided, multiple submitters, no conflicts (2 of 4 stars). 8 submissions from 8 submitters: Benign (8). Last evaluated 2026-02-04.

Conditions:
Nemaline myopathy 2 (NEM2). Also called: Nemaline myopathy 2, autosomal recessive. Identifiers: MedGen C1850569, MONDO:0009725, OMIM 256030.

Allele frequency attached by ClinVar (database versions not stated): ESP Exome Variant Server 0.07054; gnomAD 0.07283 and 0.06774; 1000 Genomes Project 0.07748; TOPMed 0.07839; 1000 Genomes Project 30x 0.08292; gnomAD exomes 0.00675 and 0.01632; ExAC 0.04450.
gnomAD v4.1: 20,390 of 1,565,382 alleles (1.3%); highest among the groups gnomAD compares: African/African-American, 24%; 2,221 homozygotes.

Submissions (8):

Labcorp Genetics (formerly Invitae), Labcorp
Classification: Benign for Nemaline myopathy 2. Last evaluated: 2026-02-04. Review status: criteria provided, single submitter. Criteria: Invitae Variant Classification Sherloc (09022015). Collection method: clinical testing. Allele origin: germline.

Blueprint Genetics
Classification: Benign. Last evaluated: 2024-11-26. Review status: criteria provided, single submitter. Criteria: ACMG Guidelines, 2015. Collection method: clinical testing. Allele origin: germline.

Women's Health and Genetics/Laboratory Corporation of America, LabCorp
Classification: Benign. Last evaluated: 2023-02-08. Review status: criteria provided, single submitter. Criteria: LabCorp Variant Classification Summary - May 2015. Collection method: clinical testing. Allele origin: germline.

Illumina Laboratory Services, Illumina
Classification: Benign for Nemaline myopathy 2. Last evaluated: 2018-01-12. Review status: criteria provided, single submitter. Criteria: ICSL Variant Classification Criteria 13 December 2019. Collection method: clinical testing. Allele origin: germline.
Comment: This variant was observed in the ICSL laboratory as part of a predisposition screen in an ostensibly healthy population. It had not been previously curated by ICSL or reported in the Human Gene Mutation Database (HGMD: prior to June 1st, 2018), and was therefore a candidate for classification through an automated scoring system. Utilizing variant allele frequency, disease prevalence and penetrance estimates, and inheritance mode, an automated score was calculated to assess if this variant is too frequent to cause the disease. Based on the score and internal cut-off values, a variant classified as benign is not then subjected to further curation. The score for this variant resulted in a classification of benign for this disease.

GeneDx
Classification: Benign. Last evaluated: 2016-04-22. Review status: criteria provided, single submitter. Criteria: GeneDx Variant Classification (06012015). Collection method: clinical testing. Allele origin: germline. Affected: yes.
Comment: This variant is considered likely benign or benign based on one or more of the following criteria: it is a conservative change, it occurs at a poorly conserved position in the protein, it is predicted to be benign by multiple in silico algorithms, and/or has population frequency not consistent with disease.

PreventionGenetics, part of Exact Sciences
Classification: Benign. Last evaluated: 2016-04-13. Review status: criteria provided, single submitter. Criteria: ACMG Guidelines, 2015. Collection method: clinical testing. Allele origin: germline.

Laboratory for Molecular Medicine, Mass General Brigham Personalized Medicine
Classification: Benign. Last evaluated: 2014-11-24. Review status: criteria provided, single submitter. Criteria: LMM Criteria. Collection method: clinical testing. Allele origin: germline. Observed: 1 variant allele.
Comment: 25255+12G>A in intron 180 of NEB: This variant is not expected to have clinical significance because it is not located within the conserved splice consensus seq uence. It has been identified in 22.3% (846/3802) of African American chromosome s from a broad population by the NHLBI Exome Sequencing Project (dbSNP rs4414676).

Breakthrough Genomics
Classification: Benign. Review status: criteria provided, single submitter. Criteria: ACMG Guidelines, 2015. Collection method: not provided. Allele origin: germline. Inheritance: Autosomal recessive inheritance. Affected: yes.